The following is an entry in ClinVar:

ClinVar aggregate classification (germline): Uncertain significance (1 of 4 stars; one submission).

Conditions:
Beckwith-Wiedemann syndrome (BWS). Also called: EMG SYNDROME; Exomphalos macroglossia gigantism syndrome. Identifiers: Orphanet 116, MedGen C0004903, MONDO:0007534, OMIM 130650.

Submission:

Labcorp Genetics (formerly Invitae), Labcorp
Classification: Uncertain significance for Beckwith-Wiedemann syndrome. Last evaluated: 2023-06-11. Review status: criteria provided, single submitter. Criteria: Invitae Variant Classification Sherloc (09022015). Collection method: clinical testing. Allele origin: germline.
Comment: This sequence change replaces isoleucine, which is neutral and non-polar, with threonine, which is neutral and polar, at codon 246 of the CDKN1C protein (p.Ile246Thr). This variant is not present in population databases (gnomAD no frequency). In summary, the available evidence is currently insufficient to determine the role of this variant in disease. Therefore, it has been classified as a Variant of Uncertain Significance. Advanced modeling of protein sequence and biophysical properties (such as structural, functional, and spatial information, amino acid conservation, physicochemical variation, residue mobility, and thermodynamic stability) performed at Invitae indicates that this missense variant is not expected to disrupt CDKN1C protein function. This variant has not been reported in the literature in individuals affected with CDKN1C-related conditions.

NM_001122630.2(CDKN1C):c.704T>C (p.Ile235Thr)

Gene: CDKN1C (cyclin dependent kinase inhibitor 1C; minus strand). Cytogenetic location: 11p15.4.
Variant type: single nucleotide variant.
Coding change: c.704T>C on transcript NM_001122630.2 (MANE Select); coding-DNA position 704, T replaced by C.
Protein change: p.Ile235Thr; replaces isoleucine 235 with threonine.
Molecular consequence: missense variant. On other transcripts: intron variant (1).
Genome position (GRCh38, 1-based): chr11:2,884,753, A>G on the plus strand (T>C on the coding strand, the complement: CDKN1C is on the minus strand). VCF-style: chr11-2884753-A-G. GRCh37 (hg19) VCF-style: chr11-2905983-A-G.
Other names: c.737T>C, p.Ile246Thr (NM_000076.2, NM_001362474.2); c.704T>C, p.Ile235Thr (NM_001122631.2); c.255+449T>C (NM_001362475.2); short protein forms I235T, I246T.
Identifiers: ClinVar variation 2711214 (VCV002711214.3), dbSNP rs2494384105, ClinGen allele CA379145675.
Genomic context (GRCh38, chr11:2,884,753, plus strand): 5'-TTCTTGATCGCCGCGCCGTTGGCGCTGGCGGCCGCGGTGCCGGCCGCGGGACGTCCCGAA[A>G]TCCCCGAGTGCAGCTGGTCAGCGAGAGGCTCCTGGCCGCGCTGCCCCTGGTTCGCGCCCT-3'
Protein context (NP_001116102.1, residues 225-245): EPLADQLHSG[Ile235Thr]SGRPAAGTAA